The following is an entry in ClinVar:

ClinVar aggregate classification (germline): Uncertain significance (1 of 4 stars; one submission).

Conditions:
Alzheimer disease 4 (AD4). Identifiers: Orphanet 1020, MedGen C1847200, MONDO:0011743, OMIM 606889.

gnomAD v4.1: 1 of 1,614,066 alleles (0.000062%); no homozygotes.

Submission:

Labcorp Genetics (formerly Invitae), Labcorp
Classification: Uncertain significance for Alzheimer disease 4. Last evaluated: 2024-10-15. Review status: criteria provided, single submitter. Criteria: Invitae Variant Classification Sherloc (09022015). Collection method: clinical testing. Allele origin: germline.
Comment: This sequence change replaces aspartic acid, which is acidic and polar, with glutamic acid, which is acidic and polar, at codon 55 of the PSEN2 protein (p.Asp55Glu). This variant is not present in population databases (gnomAD no frequency). This variant has not been reported in the literature in individuals affected with PSEN2-related conditions. Invitae Evidence Modeling of protein sequence and biophysical properties (such as structural, functional, and spatial information, amino acid conservation, physicochemical variation, residue mobility, and thermodynamic stability) indicates that this missense variant is not expected to disrupt PSEN2 protein function with a negative predictive value of 80%. In summary, the available evidence is currently insufficient to determine the role of this variant in disease. Therefore, it has been classified as a Variant of Uncertain Significance.

NM_000447.3(PSEN2):c.165C>A (p.Asp55Glu)

Gene: PSEN2 (presenilin 2; plus strand). Cytogenetic location: 1q42.13.
Variant type: single nucleotide variant.
Coding change: c.165C>A on transcript NM_000447.3 (MANE Select); coding-DNA position 165, C replaced by A.
Protein change: p.Asp55Glu; replaces aspartic acid 55 with glutamic acid.
Molecular consequence: missense variant.
Genome position (GRCh38, 1-based): chr1:226,883,728, C>A. VCF-style: chr1-226883728-C-A. GRCh37 (hg19) VCF-style: chr1-227071429-C-A.
Other names: c.165C>A, p.Asp55Glu (NM_012486.3); short protein forms D55E.
Identifiers: ClinVar variation 2911282 (VCV002911282.3), dbSNP rs139332886, ClinGen allele CA345329517.